The following is an entry in ClinVar:

ClinVar aggregate classification (germline): Benign (0 of 4 stars; one submission).

Conditions:
PRRC2A-related disorder. Also called: PRRC2A-related condition.

Submission:

PreventionGenetics, part of Exact Sciences
Classification: Benign for PRRC2A-related condition. Last evaluated: 2019-07-31. Review status: no assertion criteria provided. Collection method: clinical testing. Allele origin: germline.
Comment: This variant is classified as benign based on ACMG/AMP sequence variant interpretation guidelines (Richards et al. 2015 PMID: 25741868, with internal and published modifications).

NM_004638.4(PRRC2A):c.2378_2380del (p.Gly793del)

Gene: PRRC2A (proline rich coiled-coil 2A; plus strand). Cytogenetic location: 6p21.33.
Variant type: Deletion.
Coding change: c.2378_2380del on transcript NM_004638.4 (MANE Select); coding-DNA positions 2378 to 2380, 3 bases deleted (GAG; older notation c.2378_2380delGAG).
Protein change: p.Gly793del; deletes glycine 793.
Genome position (GRCh38, 1-based): chr6:31,630,714-31,630,716, GAG deleted; deleting any 3 consecutive bases within chr6:31,630,712-31,630,716 gives the same sequence; the c. name uses the placement nearest the transcript's 3' end. VCF-style (leftmost placement, unchanged base first): chr6-31630711-TAGG-T. GRCh37 (hg19) VCF-style: chr6-31598488-TAGG-T.
Other names: c.2378_2380del, p.Gly793del (NM_080686.3); short protein forms G793del.
Identifiers: ClinVar variation 3035340 (VCV003035340.2), dbSNP rs372791429, ClinGen allele CA3715655.